The following is an entry in ClinVar:

ClinVar aggregate classification (germline): Likely pathogenic (1 of 4 stars; one submission).

Conditions:
Dilated cardiomyopathy 1G (CMD1G). Identifiers: Orphanet 154, MedGen C1858763, MONDO:0011400, OMIM 604145.
Autosomal recessive limb-girdle muscular dystrophy type 2J (LGMDR10). Also called: MUSCULAR DYSTROPHY, LIMB-GIRDLE, AUTOSOMAL RECESSIVE 10; Limb-girdle muscular dystrophy, type 2J. Identifiers: Orphanet 140922, MedGen C1837342, MONDO:0012127, OMIM 608807.

Submission:

Labcorp Genetics (formerly Invitae), Labcorp
Classification: Likely pathogenic for Dilated cardiomyopathy 1G; Autosomal recessive limb-girdle muscular dystrophy type 2J. Last evaluated: 2022-05-30. Review status: criteria provided, single submitter. Criteria: Invitae Variant Classification Sherloc (09022015). Collection method: clinical testing. Allele origin: germline.
Comment: In summary, the currently available evidence indicates that the variant is pathogenic, but additional data are needed to prove that conclusively. Therefore, this variant has been classified as Likely Pathogenic. This variant is located in the A band of TTN (PMID: 25589632). Truncating variants in this region are significantly overrepresented in patients affected with dilated cardiomyopathy (PMID: 25589632). Truncating variants in this region have also been reported in individuals affected with autosomal recessive centronuclear myopathy (PMID: 23975875). This variant has not been reported in the literature in individuals affected with TTN-related conditions. This variant is not present in population databases (gnomAD no frequency). This sequence change creates a premature translational stop signal (p.Thr22313Leufs*12) in the TTN gene. While this is not anticipated to result in nonsense mediated decay, it is expected to create a truncated TTN protein.

Literature cited by the submitters: PubMed 25589632; PubMed 23975875.

NM_001267550.2(TTN):c.66937del (p.Thr22313fs)

Genes: TTN (titin; minus strand), TTN-AS1 (TTN antisense RNA 1; plus strand). Cytogenetic location: 2q31.2.
Variant type: Deletion.
Coding change: c.66937del on transcript NM_001267550.2 (MANE Select); coding-DNA position 66937, one base deleted (A; older notation c.66937delA).
Protein change: p.Thr22313fs; shifts the reading frame from threonine 22313.
Molecular consequence: frameshift variant.
Genome position (GRCh38, 1-based): chr2:178,580,442, T deleted on the plus strand (A on the coding strand, the reverse complement: TTN is on the minus strand); the first of 2 consecutive T bases (chr2:178,580,442-178,580,443); deleting either gives the same sequence. VCF-style (leftmost placement, unchanged base first): chr2-178580441-GT-G. GRCh37 (hg19) VCF-style: chr2-179445168-GT-G.
Other names: c.62014del, p.Thr20672fs (NM_001256850.1); c.39742del, p.Thr13248fs (NM_003319.4); c.59233del, p.Thr19745fs (NM_133378.4); c.40117del, p.Thr13373fs (NM_133432.3); c.40318del, p.Thr13440fs (NM_133437.4); short protein forms T22313fs, T19745fs, T13373fs, T20672fs, T13248fs, T13440fs.
Identifiers: ClinVar variation 2000884 (VCV002000884.4), dbSNP rs2468929374, ClinGen allele CA2580064667.